The following is an entry in ClinVar:

ClinVar aggregate classification (germline): Benign. Review status: criteria provided, multiple submitters, no conflicts (2 of 4 stars). 3 submissions from 3 submitters: Benign (2). 1 of the submissions does not count toward it. Last evaluated 2018-05-24.

Conditions:
GPR174-related disorder. Also called: GPR174-related condition.

Allele frequency attached by ClinVar (database versions not stated): gnomAD exomes 0.00047 and 0.00134; ExAC 0.00175; gnomAD 0.00411; TOPMed 0.00518; ESP Exome Variant Server 0.00606; 1000 Genomes Project 30x 0.00624; 1000 Genomes Project 0.00636.

Submissions (3):

Labcorp Genetics (formerly Invitae), Labcorp
Classification: Benign. Last evaluated: 2018-05-24. Review status: criteria provided, single submitter. Criteria: Invitae Variant Classification Sherloc (09022015). Collection method: clinical testing. Allele origin: germline.

Breakthrough Genomics
Classification: Benign. Review status: criteria provided, single submitter. Criteria: ACMG Guidelines, 2015. Collection method: not provided. Allele origin: germline. Inheritance: Unknown mechanism. Affected: yes.

PreventionGenetics, part of Exact Sciences
Classification: Benign for GPR174-related condition. Last evaluated: 2019-03-26. Review status: no assertion criteria provided. Collection method: clinical testing. Allele origin: germline. Not counted in ClinVar's aggregate classification.
Comment: This variant is classified as benign based on ACMG/AMP sequence variant interpretation guidelines (Richards et al. 2015 PMID: 25741868, with internal and published modifications).

NM_032553.3(GPR174):c.483C>T (p.Thr161=)

Gene: GPR174 (G protein-coupled receptor 174; plus strand). Cytogenetic location: Xq21.1.
Variant type: single nucleotide variant.
Coding change: c.483C>T on transcript NM_032553.3 (MANE Select); coding-DNA position 483, C replaced by T.
Protein change: p.Thr161=; no amino-acid change (threonine 161 retained).
Molecular consequence: synonymous variant.
Genome position (GRCh38, 1-based): chrX:79,171,490, C>T. VCF-style: chrX-79171490-C-T. GRCh37 (hg19) VCF-style: chrX-78426987-C-T.
Identifiers: ClinVar variation 708865 (VCV000708865.6), dbSNP rs75956723, ClinGen allele CA10460872.
Genomic context (GRCh38, chrX:79,171,490, plus strand): 5'-CTGGCTGATCATCTGCCTTGCCTGTGTACTCTTTCCACTCCTCAGAACCAGTGATGATAC[C>T]TCTGGCAATAGGACCAAATGCTTTGTGGATCTTCCTACCAGGAATGTCAACCTGGCCCAG-3'
Protein context (NP_115942.1, residues 151-171): LFPLLRTSDD[Thr161=]SGNRTKCFVD